The following is an entry in ClinVar:

ClinVar aggregate classification (germline): Uncertain significance (1 of 4 stars; one submission).

Conditions:
Usher syndrome type 3B. Also called: USHER SYNDROME, TYPE IIIB. Identifiers: MedGen C3281066, MONDO:0013788, OMIM 614504.

Submission:

Labcorp Genetics (formerly Invitae), Labcorp
Classification: Uncertain significance for Usher syndrome type 3B. Last evaluated: 2022-08-03. Review status: criteria provided, single submitter. Criteria: Invitae Variant Classification Sherloc (09022015). Collection method: clinical testing. Allele origin: germline.
Comment: This sequence change replaces glycine, which is neutral and non-polar, with valine, which is neutral and non-polar, at codon 276 of the HARS protein (p.Gly276Val). This variant is not present in population databases (gnomAD no frequency). This variant has not been reported in the literature in individuals affected with HARS-related conditions. Algorithms developed to predict the effect of missense changes on protein structure and function are either unavailable or do not agree on the potential impact of this missense change (SIFT: "Deleterious"; PolyPhen-2: "Possibly Damaging"; Align-GVGD: "Class C0"). Algorithms developed to predict the effect of sequence changes on RNA splicing suggest that this variant may disrupt the consensus splice site. In summary, the available evidence is currently insufficient to determine the role of this variant in disease. Therefore, it has been classified as a Variant of Uncertain Significance.

NM_002109.6(HARS1):c.827G>T (p.Gly276Val)

Gene: HARS1 (histidyl-tRNA synthetase 1; minus strand). Cytogenetic location: 5q31.3.
Variant type: single nucleotide variant.
Coding change: c.827G>T on transcript NM_002109.6 (MANE Select); coding-DNA position 827, G replaced by T.
Protein change: p.Gly276Val; replaces glycine 276 with valine.
Molecular consequence: missense variant.
Genome position (GRCh38, 1-based): chr5:140,677,113, C>A on the plus strand (G>T on the coding strand, the complement: HARS1 is on the minus strand). VCF-style: chr5-140677113-C-A. GRCh37 (hg19) VCF-style: chr5-140056698-C-A.
Other names: c.707G>T, p.Gly236Val (NM_001258040.3); c.767G>T, p.Gly256Val (NM_001258041.3); c.647G>T, p.Gly216Val (NM_001258042.3); c.605G>T, p.Gly202Val (NM_001289092.2); c.485G>T, p.Gly162Val (NM_001289093.2); c.740G>T, p.Gly247Val (NM_001289094.2); short protein forms G216V, G247V, G256V, G276V, G202V, G236V, G162V.
Identifiers: ClinVar variation 2021326 (VCV002021326.4), dbSNP rs1758422709, ClinGen allele CA361253498.